The following is an entry in ClinVar:

NM_002485.5(NBN):c.1731T>G (p.Asp577Glu)

Gene: NBN (nibrin; minus strand). Cytogenetic location: 8q21.3.
Variant type: single nucleotide variant.
Coding change: c.1731T>G on transcript NM_002485.5 (MANE Select); coding-DNA position 1731, T replaced by G.
Protein change: p.Asp577Glu; replaces aspartic acid 577 with glutamic acid.
Molecular consequence: missense variant.
Genome position (GRCh38, 1-based): chr8:89,953,358, A>C on the plus strand (T>G on the coding strand, the complement: NBN is on the minus strand). VCF-style: chr8-89953358-A-C. GRCh37 (hg19) VCF-style: chr8-90965586-A-C.
Other names: c.1485T>G, p.Asp495Glu (NM_001024688.3); short protein forms D495E, D577E.
Identifiers: ClinVar variation 1992919 (VCV001992919.5), dbSNP rs2129697808, ClinGen allele CA371655219.

ClinVar aggregate classification (germline): Conflicting classifications of pathogenicity. Review status: criteria provided, conflicting classifications (1 of 4 stars). 2 submissions from 2 submitters: Uncertain significance (1); Likely benign (1). Last evaluated 2025-11-13.

Conditions:
Microcephaly, normal intelligence and immunodeficiency (NBS). Also called: IMMUNODEFICIENCY, MICROCEPHALY, AND CHROMOSOMAL INSTABILITY; SEEMANOVA SYNDROME II; Nijmegen breakage syndrome; Microcephaly with normal intelligence immunodeficiency and lymphoreticular malignancies; Nonsyndromal microcephaly autosomal recessive with normal intelligence; Seemanova syndrome 2. Identifiers: Orphanet 647, MedGen C0398791, MONDO:0009623, OMIM 251260.
Hereditary cancer-predisposing syndrome. Also called: Hereditary Cancer Syndrome; Neoplastic Syndromes, Hereditary; Hereditary neoplastic syndrome; Tumor predisposition. Identifiers: Orphanet 140162, MedGen C0027672, MeSH D009386, MONDO:0015356.

Submissions (2):

Ambry Genetics
Classification: Likely benign for Hereditary cancer-predisposing syndrome. Last evaluated: 2025-11-13. Review status: criteria provided, single submitter. Criteria: Ambry Variant Classification Scheme 2023. Collection method: clinical testing. Allele origin: germline.

Labcorp Genetics (formerly Invitae), Labcorp
Classification: Uncertain significance for Microcephaly, normal intelligence and immunodeficiency. Last evaluated: 2022-05-11. Review status: criteria provided, single submitter. Criteria: Invitae Variant Classification Sherloc (09022015). Collection method: clinical testing. Allele origin: germline.
Comment: In summary, the available evidence is currently insufficient to determine the role of this variant in disease. Therefore, it has been classified as a Variant of Uncertain Significance. Algorithms developed to predict the effect of missense changes on protein structure and function output the following: SIFT: "Tolerated"; PolyPhen-2: "Benign"; Align-GVGD: "Class C0". The glutamic acid amino acid residue is found in multiple mammalian species, which suggests that this missense change does not adversely affect protein function. This variant has not been reported in the literature in individuals affected with NBN-related conditions. This variant is not present in population databases (gnomAD no frequency). This sequence change replaces aspartic acid, which is acidic and polar, with glutamic acid, which is acidic and polar, at codon 577 of the NBN protein (p.Asp577Glu).